The following is an entry in ClinVar:

ClinVar aggregate classification (germline): Conflicting classifications of pathogenicity. Review status: criteria provided, conflicting classifications (1 of 4 stars). 10 submissions from 10 submitters: Pathogenic (8); Uncertain significance (1). 1 of the submissions does not count toward it. Last evaluated 2026-03-27.

Conditions:
BTD-related disorder. Also called: BTD-related condition.
Biotinidase deficiency. Also called: Biotin deficiency; BTD deficiency; Late-onset biotin-responsive multiple carboxylase deficiency. Identifiers: Orphanet 79241, MedGen C0220754, MONDO:0009665, OMIM 253260.

Allele frequency attached by ClinVar (database versions not stated): gnomAD exomes 0.00001 and 0.00002; ExAC 0.00002; gnomAD 0.00001; TOPMed 0.00002; ESP Exome Variant Server 0.00008.
gnomAD v4.1: 17 of 1,613,994 alleles (0.0011%); highest among the groups gnomAD compares: African/African-American, 0.004%; no homozygotes.

Submissions (10):

Dasa
Classification: Pathogenic. Last evaluated: 2026-03-27. Review status: criteria provided, single submitter. Criteria: DASA Assertion Criteria. Collection method: clinical testing. Allele origin: germline.
Comment: NM_001370658.1(BTD):c.571C>T (p.Arg191Cys) is a missense variant that results in the substitution of arginine with cysteine. The affected residue or protein region has prior evidence supporting clinical relevance. This variant has been observed in affected individuals with related phenotype in a genotype context consistent with recessive disease (PMID: 26810761; PMID: 25754625; PMID: 10400129; PMID: 27329734). This variant has been recurrently observed in individuals with related phenotype (PMID: 26810761; PMID: 25754625; PMID: 10400129; PMID: 27329734). Multiple computational predictions support a deleterious effect on the gene or gene product. The variant is present at low frequency in population datasets. Based on the available data, this variant is classified as pathogenic.

Labcorp Genetics (formerly Invitae), Labcorp
Classification: Pathogenic for Biotinidase deficiency. Last evaluated: 2026-01-18. Review status: criteria provided, single submitter. Criteria: Invitae Variant Classification Sherloc (09022015). Collection method: clinical testing. Allele origin: germline.
Comment: This sequence change replaces arginine, which is basic and polar, with cysteine, which is neutral and slightly polar, at codon 211 of the BTD protein (p.Arg211Cys). This variant is present in population databases (rs372844636, gnomAD 0.005%). This missense change has been observed in individual(s) with biotinidase deficiency (PMID: 10400129, 17185019, 25754625, 26810761, 27329734). ClinVar contains an entry for this variant (Variation ID: 25028). Invitae Evidence Modeling of protein sequence and biophysical properties (such as structural, functional, and spatial information, amino acid conservation, physicochemical variation, residue mobility, and thermodynamic stability) indicates that this missense variant is expected to disrupt BTD protein function with a positive predictive value of 95%. For these reasons, this variant has been classified as Pathogenic.

Natera, Inc.
Classification: Pathogenic for Biotinidase deficiency. Last evaluated: 2026-01-13. Review status: criteria provided, single submitter. Criteria: Natera Variant Classification Schema (03/2026). Collection method: clinical testing. Allele origin: germline.
Comment: The c.571C>T variant in BTD is a missense variant predicted to cause substitution of arginine to cysteine at amino acid 191. This variant is rare in the general population with a frequency below the threshold expected for the associated phenotype(s). This variant has been observed in one or more individuals affected with the associated recessive disease, as either homozygous or compound heterozygous with a second variant (PMID: 17185019, 26810761, 27329734, 34136440). Computational prediction algorithms indicate this variant is likely to affect gene or protein function. Given the available evidence, this variant is classified as Pathogenic.

CeGaT Center for Human Genetics Tuebingen
Classification: Pathogenic. Last evaluated: 2025-12-01. Review status: criteria provided, single submitter. Criteria: CeGaT Center For Human Genetics Tuebingen Variant Classification Criteria Version 2. Collection method: clinical testing. Allele origin: germline. Affected: yes. Observed: 2 variant alleles.
Comment: BTD: PM3:Strong, PM1, PM2, PM5, PP4

Baylor Genetics
Classification: Pathogenic for Biotinidase deficiency. Last evaluated: 2024-03-29. Review status: criteria provided, single submitter. Criteria: ACMG Guidelines, 2015. Collection method: clinical testing. Allele origin: unknown.

Genomic Medicine Center of Excellence, King Faisal Specialist Hospital and Research Centre
Classification: Uncertain significance for Biotinidase deficiency. Last evaluated: 2024-03-26. Review status: criteria provided, single submitter. Criteria: ACMG Guidelines, 2015. Collection method: clinical testing. Allele origin: germline.

Fulgent Genetics
Classification: Pathogenic for Biotinidase deficiency. Last evaluated: 2022-04-22. Review status: criteria provided, single submitter. Criteria: ACMG Guidelines, 2015. Collection method: clinical testing. Allele origin: unknown.

Blueprint Genetics
Classification: Pathogenic for BTD-related disorders. Last evaluated: 2019-12-20. Review status: criteria provided, single submitter. Criteria: ACMG Guidelines, 2015. Collection method: clinical testing. Allele origin: germline. Affected: yes. Observed: 2 variant alleles.

Quest Diagnostics Nichols Institute San Juan Capistrano
Classification: Pathogenic. Last evaluated: 2017-04-21. Review status: criteria provided, single submitter. Criteria: Quest Diagnostics criteria. Collection method: clinical testing. Allele origin: germline.

Counsyl
Classification: Likely pathogenic for Biotinidase deficiency. Last evaluated: 2015-08-26. Review status: no assertion criteria provided. Collection method: clinical testing. Allele origin: unknown. Not counted in ClinVar's aggregate classification.

Literature cited by the submitters: PubMed 26810761 (cited by 4 submitters); PubMed 25754625 (cited by 4 submitters); PubMed 10400129 (cited by 4 submitters); PubMed 27329734 (cited by 3 submitters); PubMed 17185019 (cited by 3 submitters); PubMed 34136440 (cited by Natera, Inc.); PubMed 25087612 (cited by Quest Diagnostics Nichols Institute San Juan Capistrano); PubMed 11668630 (cited by Quest Diagnostics Nichols Institute San Juan Capistrano); PubMed 20549359 (cited by Quest Diagnostics Nichols Institute San Juan Capistrano).

NM_001370658.1(BTD):c.571C>T (p.Arg191Cys)

Gene: BTD (biotinidase; plus strand). Cytogenetic location: 3p25.1.
Variant type: single nucleotide variant.
Coding change: c.571C>T on transcript NM_001370658.1 (MANE Select); coding-DNA position 571, C replaced by T.
Protein change: p.Arg191Cys; replaces arginine 191 with cysteine.
Molecular consequence: missense variant. On other transcripts: intron variant (1).
Genome position (GRCh38, 1-based): chr3:15,644,487, C>T. VCF-style: chr3-15644487-C-T. GRCh37 (hg19) VCF-style: chr3-15685994-C-T.
Other names: c.571C>T, p.Arg191Cys (NM_001407373.1, NM_001407374.1, NM_001407375.1 and 18 more transcripts); c.399+2430C>T (NM_001370753.1); c.631C>T, p.Arg211Cys (NM_000060.4); short protein forms R191C.
Identifiers: ClinVar variation 25028 (VCV000025028.31), dbSNP rs372844636, ClinGen allele CA278241.
Genomic context (GRCh38, chr3:15,644,487, plus strand): 5'-AGATACCAGTTCAACACAAATGTCGTGTTCAGCAATAATGGAACCCTTGTTGACCGCTAC[C>T]GTAAACACAACCTCTACTTTGAGGCAGCATTCGATGTTCCTCTTAAAGTGGATCTCATCA-3'
Protein context (NP_001357587.1, residues 181-201): SNNGTLVDRY[Arg191Cys]KHNLYFEAAF